The following is an entry in ClinVar:

NM_000238.4(KCNH2):c.2335del (p.Leu779fs)

Gene: KCNH2 (potassium voltage-gated channel subfamily H member 2; minus strand). Cytogenetic location: 7q36.1.
Variant type: Deletion.
Coding change: c.2335del on transcript NM_000238.4 (MANE Select); coding-DNA position 2335, one base deleted (C; older notation c.2335delC).
Protein change: p.Leu779fs; shifts the reading frame from leucine 779.
Molecular consequence: frameshift variant. On other transcripts: non-coding transcript variant (2).
Genome position (GRCh38, 1-based): chr7:150,950,231, G deleted on the plus strand (C on the coding strand, the reverse complement: KCNH2 is on the minus strand); the first of 3 consecutive G bases (chr7:150,950,231-150,950,233); deleting any one gives the same sequence. VCF-style (leftmost placement, unchanged base first): chr7-150950230-AG-A. GRCh37 (hg19) VCF-style: chr7-150647318-AG-A.
Other names: c.1315del, p.Leu439fs (NM_001204798.2, NM_172057.3); c.2047del, p.Leu683fs (NM_001406753.1, NM_001406756.1); c.2158del, p.Leu720fs (NM_001406755.1); c.2035del, p.Leu679fs (NM_001406757.1); c.2335del, p.Leu779fs (NM_172056.3); short protein forms L439fs, L679fs, L683fs, L720fs, L779fs.
Identifiers: ClinVar variation 4852633 (VCV004852633.2).
Genomic context (GRCh38, chr7:150,950,230, plus strand): 5'-AGGATGGCCACGACGACGTCGCCCCGCAGGATCTCGATGGAGCCCCGGGAGATGAAGTAC[AG>A]GGCGGTGAGCAGGTCCCCAGCATGCACCAGTGTGTCCCCTGGCGGTGCATGTGTGGTCTT-3'

ClinVar aggregate classification (germline): Likely pathogenic (1 of 4 stars; one submission).

Submission:

Dasa
Classification: Likely pathogenic. Last evaluated: 2025-07-07. Review status: criteria provided, single submitter. Criteria: DASA Assertion Criteria. Collection method: clinical testing. Allele origin: germline.
Comment: NM_000238.4(KCNH2):c.2335del (p.Leu779Cysfs*31) is a frameshift variant in KCNH2 predicted to alter the reading frame and introduce a premature termination codon and is predicted to result in an absent or altered protein product. Loss of function is an established disease mechanism for KCNH2 (PMID: 18774102; PMID: 24530480). Also, this variant is absent from population databases. Based on the currently available evidence, this variant is classified as likely pathogenic.

Literature cited by the submitters: PubMed 18774102; PubMed 24530480.